The following is an entry in ClinVar:

ClinVar aggregate classification (germline): Pathogenic/Likely pathogenic. Review status: criteria provided, multiple submitters, no conflicts (2 of 4 stars). 7 submissions from 7 submitters: Pathogenic (2); Likely pathogenic (4). 1 of the submissions does not count toward it. Last evaluated 2026-09-21.

Conditions:
Autosomal recessive limb-girdle muscular dystrophy type 2J (LGMDR10). Also called: MUSCULAR DYSTROPHY, LIMB-GIRDLE, AUTOSOMAL RECESSIVE 10; Limb-girdle muscular dystrophy, type 2J. Identifiers: Orphanet 140922, MedGen C1837342, MONDO:0012127, OMIM 608807.
Dilated cardiomyopathy 1G (CMD1G). Identifiers: Orphanet 154, MedGen C1858763, MONDO:0011400, OMIM 604145.
TTN-related disorder. Also called: TTN-related condition; TTN-related disease; TTN-related disorders.
Cardiovascular phenotype. Identifiers: MedGen CN230736.

Allele frequency attached by ClinVar (database versions not stated): gnomAD exomes below 0.00001 and 0.00001; ExAC 0.00001.
gnomAD v4.1: 8 of 1,612,564 alleles (0.0005%); highest among the groups gnomAD compares: Admixed American, 0.0017%; no homozygotes.

Submissions (7):

GeneDx
Classification: Pathogenic. Last evaluated: 2026-09-21. Review status: criteria provided, single submitter. Criteria: GeneDx Variant Classification Process June 2021. Collection method: clinical testing. Allele origin: germline.
Comment: Nonsense variant predicted to result in protein truncation or nonsense mediated decay in a gene for which loss of function is a known mechanism of disease; Located in the A-band, a region of TTN for which truncating variants are significantly associated with autosomal dominant cardiomyopathy and also with autosomal recessive skeletal myopathies (PMID: 22335739, 32778822); Not observed at significant frequency in large population cohorts (gnomAD); This variant is associated with the following publications: (PMID: 34135346, 31691645, 36264615, 25163546, 39844436, 24575448, 22335739, 32778822, 39472908)

CeGaT Center for Human Genetics Tuebingen
Classification: Likely pathogenic. Last evaluated: 2026-05-01. Review status: criteria provided, single submitter. Criteria: CeGaT Center For Human Genetics Tuebingen Variant Classification Criteria Version 2. Collection method: clinical testing. Allele origin: germline. Affected: yes. Observed: 1 variant allele.
Comment: TTN: PS4, PVS1:Strong, PM2:Supporting

Labcorp Genetics (formerly Invitae), Labcorp
Classification: Likely pathogenic for Dilated cardiomyopathy 1G; Autosomal recessive limb-girdle muscular dystrophy type 2J. Last evaluated: 2026-01-12. Review status: criteria provided, single submitter. Criteria: Invitae Variant Classification Sherloc (09022015). Collection method: clinical testing. Allele origin: germline.
Comment: This sequence change creates a premature translational stop signal (p.Arg17223*) in the TTN gene. While this is not anticipated to result in nonsense mediated decay, it is expected to create a truncated TTN protein. The frequency data for this variant in the population databases is considered unreliable, as metrics indicate poor data quality at this position in the gnomAD database. This premature translational stop signal has been observed in individual(s) with clinical features of autosomal dominant and autosomal recessive TTN-related conditions (PMID: 25163546, 32778822, 39472908, 39844436). This variant is also known as c.C25048T, p.R8350X. ClinVar contains an entry for this variant (Variation ID: 1066907). This variant is located in the A band of TTN (PMID: 25589632). Truncating variants in this region are significantly overrepresented in patients affected with dilated cardiomyopathy (PMID: 25589632). Truncating variants in this region have also been reported in individuals affected with autosomal recessive centronuclear myopathy (PMID: 23975875). In summary, the currently available evidence indicates that the variant is pathogenic, but additional data are needed to prove that conclusively. Therefore, this variant has been classified as Likely Pathogenic.

Ambry Genetics
Classification: Likely pathogenic for Cardiovascular phenotype. Last evaluated: 2023-12-26. Review status: criteria provided, single submitter. Criteria: Ambry Variant Classification Scheme 2023. Collection method: clinical testing. Allele origin: germline.
Comment: The p.R8158* variant (also known as c.24472C>T), located in coding exon 99 of the TTN gene, results from a C to T substitution at nucleotide position 24472. This changes the amino acid from an arginine to a stop codon within coding exon 99. This exon is located in the A-band region of the N2-B isoform of the titin protein and is constitutively expressed in TTN transcripts (percent spliced in or PSI 100%). This alteration is expected to result in loss of function by premature protein truncation or nonsense-mediated mRNA decay. While truncating variants in TTN are present in 1-3% of the general population, truncating variants in the A-band are the most common cause of dilated cardiomyopathy (DCM) (Herman DS et al. N. Engl. J. Med., 2012 Feb;366:619-28; Roberts AM et al. Sci Transl Med, 2015 Jan;7:270ra6). TTN truncating variants encoded in constitutive exons (PSI >90%) have been found to be significantly associated with DCM regardless of their position in titin (Schafer S et al. Nat. Genet., 2017 01;49:46-53). This variant is considered to be rare based on population cohorts in the Genome Aggregation Database (gnomAD). As such, this alteration is classified as likely pathogenic.

Clinical Genetics Service, Universitary Hospital 12 de Octubre
Classification: Pathogenic for Autosomal recessive limb-girdle muscular dystrophy type 2J. Review status: criteria provided, single submitter. Criteria: ACMG Guidelines, 2015. Collection method: clinical testing. Allele origin: germline. Affected: yes.

Rady Children's Institute for Genomic Medicine, Rady Children's Hospital San Diego
Classification: Likely pathogenic for TTN-Related Disorders. Review status: criteria provided, single submitter. Criteria: ACMG Guidelines, 2015. Collection method: clinical testing. Allele origin: germline. Affected: yes.
Comment: This variant is also known as c.25048C>T (p.Arg8350Term) in an alternate transcript NM_133437 (PMID: 25163546). This nonsense variant found in exon 273 of TTN is predicted to result in loss of normal protein function through either protein truncation or nonsense-mediated mRNA decay (NMD). This variant has been previously reported in autosomal dominant DCM, autosomal recessive titinopathy and also in an asymptomatic elderly individual (PMID: 25163546, 32778822, 34135346). The c.51667C>T variant is located in the A-band of TTN (PMID: 25589632). Loss of function variants in the TTN gene have been reported in multiple databases, including the Human Gene Mutation Database and ClinVar, in association with cardiomyopathy. Additionally, a majority of these reported variants are located in the A-band region of TTN (PMID: 22335739). The c.51667C>T (p.Arg17223Ter) variant is present in the heterozygous state in the gnomAD population database at a frequency of 0.0004% (1/248152) and thus is presumed to be rare. Based on the available evidence, the c.51667C>T (p.Arg17223Ter) variant is classified as Likely Pathogenic.

Cardiogenetics and Myogenetics Molecular and Cellular Functional Unit, Aphp Sorbonne University-Hopital Pitie Salpetriere
Classification: Likely pathogenic for Dilated cardiomyopathy 1G. Last evaluated: 2024-01-06. Review status: no assertion criteria provided. Collection method: clinical testing. Allele origin: germline. Affected: yes. Not counted in ClinVar's aggregate classification.

Literature cited by the submitters: PubMed 25163546 (cited by Labcorp Genetics (formerly Invitae), Labcorp and Ambry Genetics); PubMed 32778822 (cited by Labcorp Genetics (formerly Invitae), Labcorp and Ambry Genetics); PubMed 39472908 (cited by Labcorp Genetics (formerly Invitae), Labcorp); PubMed 39844436 (cited by Labcorp Genetics (formerly Invitae), Labcorp); PubMed 25589632 (cited by Labcorp Genetics (formerly Invitae), Labcorp); PubMed 23975875 (cited by Labcorp Genetics (formerly Invitae), Labcorp).

NM_001267550.2(TTN):c.51667C>T (p.Arg17223Ter)

Genes: TTN (titin; minus strand), TTN-AS1 (TTN antisense RNA 1; plus strand). Cytogenetic location: 2q31.2.
Variant type: single nucleotide variant.
Coding change: c.51667C>T on transcript NM_001267550.2 (MANE Select); coding-DNA position 51667, C replaced by T.
Protein change: p.Arg17223Ter; replaces arginine 17223 with a stop codon.
Molecular consequence: nonsense.
Genome position (GRCh38, 1-based): chr2:178,609,756, G>A on the plus strand (C>T on the coding strand, the complement: TTN is on the minus strand). VCF-style: chr2-178609756-G-A. GRCh37 (hg19) VCF-style: chr2-179474483-G-A.
Other names: c.46744C>T, p.Arg15582Ter (NM_001256850.1); c.24472C>T, p.Arg8158Ter (NM_003319.4); c.43963C>T, p.Arg14655Ter (NM_133378.4); c.24847C>T, p.Arg8283Ter (NM_133432.3); c.25048C>T, p.Arg8350Ter (NM_133437.4); short protein forms R14655*, R15582*, R17223*, R8158*, R8283*, R8350*.
Identifiers: ClinVar variation 1066907 (VCV001066907.19), dbSNP rs748956593, ClinGen allele CA1994149.
Genomic context (GRCh38, chr2:178,609,756, plus strand): 5'-CAGCTTTGGTTGGAGGAGTAGCCCGAGAAGGTTCACTAATACCCGCGGCGTTCTCTGCTC[G>A]CACACGGAATTGGTACTCTTTCCCCTCTTCAAGTCCTTTTGCTGTATAGGTCAGGATTGG-3'